The following is an entry in ClinVar:

NM_024529.5(CDC73):c.1330G>A (p.Ala444Thr)

Gene: CDC73 (cell division cycle 73; plus strand). Cytogenetic location: 1q31.2.
Variant type: single nucleotide variant.
Coding change: c.1330G>A on transcript NM_024529.5 (MANE Select); coding-DNA position 1330, G replaced by A.
Protein change: p.Ala444Thr; replaces alanine 444 with threonine.
Molecular consequence: missense variant.
Genome position (GRCh38, 1-based): chr1:193,236,269, G>A. VCF-style: chr1-193236269-G-A. GRCh37 (hg19) VCF-style: chr1-193205399-G-A.
Other names: short protein forms A444T.
Identifiers: ClinVar variation 2003800 (VCV002003800.5), dbSNP rs2102061793, ClinGen allele CA344078116.

ClinVar aggregate classification (germline): Uncertain significance. Review status: criteria provided, multiple submitters, no conflicts (2 of 4 stars). 2 submissions from 2 submitters: Uncertain significance (2). Last evaluated 2023-09-15.

Conditions:
CDC73-related disorder. Also called: CDC73-related disorders; CDC73-related condition. Identifiers: MedGen CN169292.
Parathyroid carcinoma (PRTC). Also called: CDC73-Related Parathyroid Carcinoma; Parathyroid gland carcinoma. Identifiers: Orphanet 143, MedGen C0687150, MONDO:0012004, OMIM 608266, HP:0006780.

Submissions (2):

PreventionGenetics, part of Exact Sciences
Classification: Uncertain significance for CDC73-related condition. Last evaluated: 2023-09-15. Review status: criteria provided, single submitter. Criteria: ACMG Guidelines, 2015. Collection method: clinical testing. Allele origin: germline.
Comment: The CDC73 c.1330G>A variant is predicted to result in the amino acid substitution p.Ala444Thr. To our knowledge, this variant has not been reported in the literature or in a large population database, indicating this variant is rare. At this time, the clinical significance of this variant is uncertain due to the absence of conclusive functional and genetic evidence.

Labcorp Genetics (formerly Invitae), Labcorp
Classification: Uncertain significance for Parathyroid carcinoma. Last evaluated: 2022-06-09. Review status: criteria provided, single submitter. Criteria: Invitae Variant Classification Sherloc (09022015). Collection method: clinical testing. Allele origin: germline.
Comment: In summary, the available evidence is currently insufficient to determine the role of this variant in disease. Therefore, it has been classified as a Variant of Uncertain Significance. Algorithms developed to predict the effect of missense changes on protein structure and function are either unavailable or do not agree on the potential impact of this missense change (SIFT: "Deleterious"; PolyPhen-2: "Probably Damaging"; Align-GVGD: "Class C0"). This variant has not been reported in the literature in individuals affected with CDC73-related conditions. This variant is not present in population databases (gnomAD no frequency). This sequence change replaces alanine, which is neutral and non-polar, with threonine, which is neutral and polar, at codon 444 of the CDC73 protein (p.Ala444Thr).